The following is an entry in ClinVar:

ClinVar aggregate classification (germline): Uncertain significance. Review status: criteria provided, multiple submitters, no conflicts (2 of 4 stars). 2 submissions from 2 submitters: Uncertain significance (2). Last evaluated 2024-11-11.

Allele frequency attached by ClinVar (database versions not stated): gnomAD exomes 0.00002 and 0.00006; TOPMed 0.00002; gnomAD 0.00003; ExAC 0.00007.
gnomAD v4.1: 43 of 1,611,718 alleles (0.0027%); highest among the groups gnomAD compares: Non-Finnish European, 0.0022%; no homozygotes.

Submissions (2):

Labcorp Genetics (formerly Invitae), Labcorp
Classification: Uncertain significance. Last evaluated: 2024-11-11. Review status: criteria provided, single submitter. Criteria: Invitae Variant Classification Sherloc (09022015). Collection method: clinical testing. Allele origin: germline.
Comment: This sequence change replaces glycine, which is neutral and non-polar, with serine, which is neutral and polar, at codon 431 of the TBX6 protein (p.Gly431Ser). This variant is present in population databases (rs772698551, gnomAD 0.02%). This variant has not been reported in the literature in individuals affected with TBX6-related conditions. ClinVar contains an entry for this variant (Variation ID: 1509939). An algorithm developed to predict the effect of missense changes on protein structure and function outputs the following: PolyPhen-2: "Benign". The serine amino acid residue is found in multiple mammalian species, which suggests that this missense change does not adversely affect protein function. In summary, the available evidence is currently insufficient to determine the role of this variant in disease. Therefore, it has been classified as a Variant of Uncertain Significance.

Institute for Clinical Genetics, University Hospital TU Dresden, University Hospital TU Dresden
Classification: Uncertain significance. Last evaluated: 2022-11-08. Review status: criteria provided, single submitter. Criteria: ACMG Guidelines, 2015. Collection method: clinical testing. Allele origin: paternal.
Comment: PP4, PM2_SUP, PM3, BP4

NM_004608.4(TBX6):c.1291G>A (p.Gly431Ser)

Gene: TBX6 (T-box transcription factor 6; minus strand). Cytogenetic location: 16p11.2.
Variant type: single nucleotide variant.
Coding change: c.1291G>A on transcript NM_004608.4 (MANE Select); coding-DNA position 1291, G replaced by A.
Protein change: p.Gly431Ser; replaces glycine 431 with serine.
Molecular consequence: missense variant.
Genome position (GRCh38, 1-based): chr16:30,086,245, C>T on the plus strand (G>A on the coding strand, the complement: TBX6 is on the minus strand). VCF-style: chr16-30086245-C-T. GRCh37 (hg19) VCF-style: chr16-30097566-C-T.
Other names: short protein forms G431S.
Identifiers: ClinVar variation 1509939 (VCV001509939.6), dbSNP rs772698551, ClinGen allele CA8001613.